The following is an entry in ClinVar:

ClinVar aggregate classification (germline): Uncertain significance. Review status: criteria provided, multiple submitters, no conflicts (2 of 4 stars). 2 submissions from 2 submitters: Uncertain significance (2). Last evaluated 2024-01-31.

Conditions:
DICER1-related tumor predisposition. Also called: DICER1 syndrome; DICER1-related pleuropulmonary blastoma cancer predisposition syndrome. Identifiers: Orphanet 284343, MedGen C3839822, MONDO:0100216.
Hereditary cancer-predisposing syndrome. Also called: Neoplastic Syndromes, Hereditary; Tumor predisposition; Hereditary neoplastic syndrome; Hereditary Cancer Syndrome. Identifiers: Orphanet 140162, MedGen C0027672, MeSH D009386, MONDO:0015356.

Submissions (2):

Labcorp Genetics (formerly Invitae), Labcorp
Classification: Uncertain significance for DICER1-related tumor predisposition. Last evaluated: 2024-01-31. Review status: criteria provided, single submitter. Criteria: Invitae Variant Classification Sherloc (09022015). Collection method: clinical testing. Allele origin: germline.
Comment: This sequence change replaces methionine, which is neutral and non-polar, with valine, which is neutral and non-polar, at codon 494 of the DICER1 protein (p.Met494Val). This variant is not present in population databases (gnomAD no frequency). This variant has not been reported in the literature in individuals affected with DICER1-related conditions. ClinVar contains an entry for this variant (Variation ID: 242040). Advanced modeling of protein sequence and biophysical properties (such as structural, functional, and spatial information, amino acid conservation, physicochemical variation, residue mobility, and thermodynamic stability) performed at Invitae indicates that this missense variant is not expected to disrupt DICER1 protein function with a negative predictive value of 80%. In summary, the available evidence is currently insufficient to determine the role of this variant in disease. Therefore, it has been classified as a Variant of Uncertain Significance.

Ambry Genetics
Classification: Uncertain significance for Hereditary cancer-predisposing syndrome. Last evaluated: 2023-03-07. Review status: criteria provided, single submitter. Criteria: Ambry Variant Classification Scheme 2023. Collection method: clinical testing. Allele origin: germline.
Comment: The p.M494V variant (also known as c.1480A>G), located in coding exon 8 of the DICER1 gene, results from an A to G substitution at nucleotide position 1480. The methionine at codon 494 is replaced by valine, an amino acid with highly similar properties. This amino acid position is highly conserved in available vertebrate species. In addition, the in silico prediction for this alteration is inconclusive. Since supporting evidence is limited at this time, the clinical significance of this alteration remains unclear.

NM_177438.3(DICER1):c.1480A>G (p.Met494Val)

Gene: DICER1 (dicer 1, ribonuclease III; minus strand). Cytogenetic location: 14q32.13.
Variant type: single nucleotide variant.
Coding change: c.1480A>G on transcript NM_177438.3 (MANE Select); coding-DNA position 1480, A replaced by G.
Protein change: p.Met494Val; replaces methionine 494 with valine.
Molecular consequence: missense variant.
Genome position (GRCh38, 1-based): chr14:95,117,651, T>C on the plus strand (A>G on the coding strand, the complement: DICER1 is on the minus strand). VCF-style: chr14-95117651-T-C. GRCh37 (hg19) VCF-style: chr14-95583988-T-C.
Other names: c.1480A>G, p.Met494Val (NM_001195573.1, NM_001271282.3, NM_001291628.2 and 1 more transcripts); short protein forms M494V.
Identifiers: ClinVar variation 242040 (VCV000242040.10), dbSNP rs878855243, ClinGen allele CA10583219.